The following is an entry in ClinVar:

NM_002907.4(RECQL):c.1385T>G (p.Phe462Cys)

Gene: RECQL (RecQ like helicase; minus strand). Cytogenetic location: 12p12.1.
Variant type: single nucleotide variant.
Coding change: c.1385T>G on transcript NM_002907.4 (MANE Select); coding-DNA position 1385, T replaced by G.
Protein change: p.Phe462Cys; replaces phenylalanine 462 with cysteine.
Molecular consequence: missense variant.
Genome position (GRCh38, 1-based): chr12:21,473,613, A>C on the plus strand (T>G on the coding strand, the complement: RECQL is on the minus strand). VCF-style: chr12-21473613-A-C. GRCh37 (hg19) VCF-style: chr12-21626547-A-C.
Other names: c.1385T>G, p.Phe462Cys (NM_032941.3); short protein forms F462C.
Identifiers: ClinVar variation 1771385 (VCV001771385.3), dbSNP rs2540334521, ClinGen allele CA384117592.

ClinVar aggregate classification (germline): Uncertain significance (1 of 4 stars; one submission).

Submission:

Ambry Genetics
Classification: Uncertain significance. Last evaluated: 2024-05-04. Review status: criteria provided, single submitter. Criteria: Ambry Variant Classification Scheme 2023. Collection method: clinical testing. Allele origin: germline.
Comment: The p.F462C variant (also known as c.1385T>G), located in coding exon 11 of the RECQL gene, results from a T to G substitution at nucleotide position 1385. The phenylalanine at codon 462 is replaced by cysteine, an amino acid with highly dissimilar properties. This amino acid position is highly conserved in available vertebrate species. In addition, this alteration is predicted to be deleterious by in silico analysis. Since supporting evidence is limited at this time, the clinical significance of this alteration remains unclear.